The following is an entry in ClinVar:

ClinVar aggregate classification (germline): Uncertain significance (1 of 4 stars; one submission).

Conditions:
Hypertrophic cardiomyopathy 1 (CMH1). Also called: MYH7-Related Familial Hypertrophic Cardiomyopathy; Familial hypertrophic cardiomyopathy 1. Identifiers: MedGen C3495498, MONDO:0008647, OMIM 192600.

gnomAD v4.1: 31 of 1,614,050 alleles (0.0019%); highest among the groups gnomAD compares: Admixed American, 0.015%; no homozygotes.

Submission:

Labcorp Genetics (formerly Invitae), Labcorp
Classification: Uncertain significance for Hypertrophic cardiomyopathy 1. Last evaluated: 2025-03-09. Review status: criteria provided, single submitter. Criteria: Invitae Variant Classification Sherloc (09022015). Collection method: clinical testing. Allele origin: germline.
Comment: This sequence change replaces glycine, which is neutral and non-polar, with arginine, which is basic and polar, at codon 393 of the MYLK2 protein (p.Gly393Arg). This variant is present in population databases (rs757155062, gnomAD 0.02%). This variant has not been reported in the literature in individuals affected with MYLK2-related conditions. Invitae Evidence Modeling of protein sequence and biophysical properties (such as structural, functional, and spatial information, amino acid conservation, physicochemical variation, residue mobility, and thermodynamic stability) indicates that this missense variant is expected to disrupt MYLK2 protein function with a positive predictive value of 80%. In summary, the available evidence is currently insufficient to determine the role of this variant in disease. Therefore, it has been classified as a Variant of Uncertain Significance.

NM_033118.4(MYLK2):c.1177G>A (p.Gly393Arg)

Gene: MYLK2 (myosin light chain kinase 2; plus strand). Cytogenetic location: 20q11.21.
Variant type: single nucleotide variant.
Coding change: c.1177G>A on transcript NM_033118.4 (MANE Select); coding-DNA position 1177, G replaced by A.
Protein change: p.Gly393Arg; replaces glycine 393 with arginine.
Molecular consequence: missense variant.
Genome position (GRCh38, 1-based): chr20:31,826,891, G>A. VCF-style: chr20-31826891-G-A. GRCh37 (hg19) VCF-style: chr20-30414694-G-A.
Other names: short protein forms G393R.
Identifiers: ClinVar variation 3669065 (VCV003669065.2).